The following is an entry in ClinVar:

ClinVar aggregate classification (germline): Uncertain significance (1 of 4 stars; one submission).

gnomAD v4.1: 1 of 1,613,234 alleles (0.000062%); highest among the groups gnomAD compares: Non-Finnish European, 0.000085%; no homozygotes.

Submission:

GeneDx
Classification: Uncertain significance. Last evaluated: 2023-05-20. Review status: criteria provided, single submitter. Criteria: GeneDx Variant Classification Process June 2021. Collection method: clinical testing. Allele origin: germline. Affected: yes.
Comment: Not observed at significant frequency in large population cohorts (gnomAD); In silico analysis supports that this missense variant has a deleterious effect on protein structure/function; Has not been previously published as pathogenic or benign to our knowledge

NM_001079668.3(NKX2-1):c.25G>T (p.Ala9Ser)

Genes: NKX2-1 (NK2 homeobox 1; minus strand), NKX2-1-AS1 (NKX2-1 antisense RNA 1; plus strand). Cytogenetic location: 14q13.3.
Variant type: single nucleotide variant.
Coding change: c.25G>T on transcript NM_001079668.3 (MANE Select); coding-DNA position 25, G replaced by T.
Protein change: p.Ala9Ser; replaces alanine 9 with serine.
Molecular consequence: missense variant.
Genome position (GRCh38, 1-based): chr14:36,520,105, C>A on the plus strand (G>T on the coding strand, the complement: NKX2-1 is on the minus strand). VCF-style: chr14-36520105-C-A. GRCh37 (hg19) VCF-style: chr14-36989310-C-A.
Other names: short protein forms A9S.
Identifiers: ClinVar variation 3343627 (VCV003343627.1).